The following is an entry in ClinVar:

NM_000051.4(ATM):c.468G>A (p.Trp156Ter)

Gene: ATM (ATM serine/threonine kinase; plus strand). Cytogenetic location: 11q22.3.
Variant type: single nucleotide variant.
Coding change: c.468G>A on transcript NM_000051.4 (MANE Select); coding-DNA position 468, G replaced by A.
Protein change: p.Trp156Ter; replaces tryptophan 156 with a stop codon.
Molecular consequence: nonsense.
Genome position (GRCh38, 1-based): chr11:108,235,806, G>A. VCF-style: chr11-108235806-G-A. GRCh37 (hg19) VCF-style: chr11-108106533-G-A.
Other names: c.468G>A, p.Trp156Ter (NM_001351834.2); short protein forms W156*.
Identifiers: ClinVar variation 825099 (VCV000825099.16), dbSNP rs1591475457, ClinGen allele CA382525517.

ClinVar aggregate classification (germline): Pathogenic. Review status: criteria provided, multiple submitters, no conflicts (2 of 4 stars). 6 submissions from 6 submitters: Pathogenic (6). Last evaluated 2025-04-29.

Conditions:
Ataxia-telangiectasia syndrome (AT). Also called: Ataxia-telangiectasia, complementation group E; LOUIS-BAR SYNDROME; Cerebello-oculocutaneous telangiectasia; Immunodeficiency with ataxia telangiectasia; Ataxia-telangiectasia, complementation group D; AT, COMPLEMENTATION GROUP C. Identifiers: Orphanet 100, MedGen C0004135, MONDO:0008840, OMIM 208900.
Familial cancer of breast. Also called: Hereditary breast cancer; BREAST CANCER, FAMILIAL; hereditary breast carcinoma. Identifiers: Orphanet 227535, MedGen C0346153, MONDO:0016419, OMIM 114480. Disease mechanism: loss of function.
Hereditary cancer-predisposing syndrome. Also called: Hereditary Cancer Syndrome; Tumor predisposition; Neoplastic Syndromes, Hereditary; Hereditary neoplastic syndrome. Identifiers: Orphanet 140162, MedGen C0027672, MeSH D009386, MONDO:0015356.

Allele frequency attached by ClinVar (database versions not stated): gnomAD exomes below 0.00001.
gnomAD v4.1: 1 of 1,613,822 alleles (0.000062%); highest among the groups gnomAD compares: Non-Finnish European, 0.000085%; no homozygotes.

Submissions (6):

Ambry Genetics
Classification: Pathogenic for Hereditary cancer-predisposing syndrome. Last evaluated: 2025-04-29. Review status: criteria provided, single submitter. Criteria: Ambry Variant Classification Scheme 2023. Collection method: clinical testing. Allele origin: germline.
Comment: The p.W156* pathogenic mutation (also known as c.468G>A), located in coding exon 4 of the ATM gene, results from a G to A substitution at nucleotide position 468. This changes the amino acid from a tryptophan to a stop codon within coding exon 4. This variant is considered to be rare based on population cohorts in the Genome Aggregation Database (gnomAD). In addition to the clinical data presented in the literature, this alteration is expected to result in loss of function by premature protein truncation or nonsense-mediated mRNA decay. As such, this alteration is interpreted as a disease-causing mutation.

Myriad Genetics, Inc.
Classification: Pathogenic for Familial cancer of breast. Last evaluated: 2024-01-09. Review status: criteria provided, single submitter. Criteria: Myriad Autosomal Dominant, Autosomal Recessive and X-Linked Classification Criteria (2023). Collection method: clinical testing. Allele origin: unknown.
Comment: This variant is considered pathogenic. This variant creates a termination codon and is predicted to result in premature protein truncation.

Baylor Genetics
Classification: Pathogenic for Familial cancer of breast. Last evaluated: 2023-11-30. Review status: criteria provided, single submitter. Criteria: ACMG Guidelines, 2015. Collection method: clinical testing. Allele origin: unknown.

Labcorp Genetics (formerly Invitae), Labcorp
Classification: Pathogenic for Ataxia-telangiectasia syndrome. Last evaluated: 2023-06-11. Review status: criteria provided, single submitter. Criteria: Invitae Variant Classification Sherloc (09022015). Collection method: clinical testing. Allele origin: germline.
Comment: This premature translational stop signal has been observed in individual(s) with ataxia-telangiectasia and/or ovarian cancer (PMID: 24954719, 29371908). For these reasons, this variant has been classified as Pathogenic. ClinVar contains an entry for this variant (Variation ID: 825099). This variant is not present in population databases (gnomAD no frequency). This sequence change creates a premature translational stop signal (p.Trp156*) in the ATM gene. It is expected to result in an absent or disrupted protein product. Loss-of-function variants in ATM are known to be pathogenic (PMID: 23807571, 25614872).

Institute of Medical Genetics and Applied Genomics, University Hospital Tübingen
Classification: Pathogenic. Last evaluated: 2021-06-17. Review status: criteria provided, single submitter. Criteria: ACMG Guidelines, 2015. Collection method: clinical testing. Allele origin: germline. Inheritance: Autosomal dominant inheritance. Affected: yes.

Juno Genomics, Hangzhou Juno Genomics, Inc
Classification: Pathogenic for Familial cancer of breast; Ataxia-telangiectasia syndrome. Review status: criteria provided, single submitter. Criteria: ACMG Guidelines, 2015. Collection method: clinical testing. Allele origin: germline.
Comment: Absent from controls (or at extremely low frequency if recessive) in Genome Aggregation Database.;Null variant in a gene where loss of function (LOF) is a known mechanism of disease.;For recessive disorders, detected in trans with a pathogenic variant.

Literature cited by the submitters: PubMed 29371908 (cited by Ambry Genetics and Labcorp Genetics (formerly Invitae), Labcorp); PubMed 24954719 (cited by Labcorp Genetics (formerly Invitae), Labcorp); PubMed 23807571 (cited by Labcorp Genetics (formerly Invitae), Labcorp); PubMed 25614872 (cited by Labcorp Genetics (formerly Invitae), Labcorp).